The following is an entry in ClinVar:

NM_213647.3(FGFR4):c.1210G>C (p.Ala404Pro)

Gene: FGFR4 (fibroblast growth factor receptor 4; plus strand). Cytogenetic location: 5q35.2.
Variant type: single nucleotide variant.
Coding change: c.1210G>C on transcript NM_213647.3 (MANE Select); coding-DNA position 1210, G replaced by C.
Protein change: p.Ala404Pro; replaces alanine 404 with proline.
Molecular consequence: missense variant. On other transcripts: intron variant (2).
Genome position (GRCh38, 1-based): chr5:177,093,290, G>C. VCF-style: chr5-177093290-G-C. GRCh37 (hg19) VCF-style: chr5-176520291-G-C.
Other names: c.1210G>C, p.Ala404Pro (NM_001354984.2, NM_002011.5); c.1097+113G>C (NM_001291980.2); c.1058-42G>C (NM_022963.3); short protein forms A404P.
Identifiers: ClinVar variation 3056912 (VCV003056912.2), dbSNP rs779369671, ClinGen allele CA362291914.

ClinVar aggregate classification (germline): Likely benign (0 of 4 stars; one submission).

Conditions:
FGFR4-related disorder. Also called: FGFR4-related condition.

Submission:

PreventionGenetics, part of Exact Sciences
Classification: Likely benign for FGFR4-related condition. Last evaluated: 2020-09-29. Review status: no assertion criteria provided. Collection method: clinical testing. Allele origin: germline.
Comment: This variant is classified as likely benign based on ACMG/AMP sequence variant interpretation guidelines (Richards et al. 2015 PMID: 25741868, with internal and published modifications).